The following is an entry in ClinVar:

ClinVar aggregate classification (germline): Uncertain significance (1 of 4 stars; one submission).

Conditions:
Catecholaminergic polymorphic ventricular tachycardia 1. Also called: VENTRICULAR TACHYCARDIA, CATECHOLAMINERGIC POLYMORPHIC, 1, WITH OR WITHOUT ATRIAL DYSFUNCTION AND/OR DILATED CARDIOMYOPATHY; RYR2-Related Catecholaminergic Polymorphic Ventricular Tachycardia; VENTRICULAR TACHYCARDIA, STRESS-INDUCED POLYMORPHIC 1. Identifiers: Orphanet 3286, MedGen C1631597, MONDO:0011484, OMIM 604772.

Submission:

Labcorp Genetics (formerly Invitae), Labcorp
Classification: Uncertain significance for Catecholaminergic polymorphic ventricular tachycardia 1. Last evaluated: 2024-06-28. Review status: criteria provided, single submitter. Criteria: Invitae Variant Classification Sherloc (09022015). Collection method: clinical testing. Allele origin: germline.
Comment: This sequence change replaces tyrosine, which is neutral and polar, with serine, which is neutral and polar, at codon 2901 of the RYR2 protein (p.Tyr2901Ser). This variant is not present in population databases (gnomAD no frequency). This variant has not been reported in the literature in individuals affected with RYR2-related conditions. Advanced modeling of protein sequence and biophysical properties (such as structural, functional, and spatial information, amino acid conservation, physicochemical variation, residue mobility, and thermodynamic stability) performed at Invitae indicates that this missense variant is expected to disrupt RYR2 protein function with a positive predictive value of 95%. In summary, the available evidence is currently insufficient to determine the role of this variant in disease. Therefore, it has been classified as a Variant of Uncertain Significance.

NM_001035.3(RYR2):c.8702A>C (p.Tyr2901Ser)

Gene: RYR2 (ryanodine receptor 2; plus strand). Cytogenetic location: 1q43.
Variant type: single nucleotide variant.
Coding change: c.8702A>C on transcript NM_001035.3 (MANE Select); coding-DNA position 8702, A replaced by C.
Protein change: p.Tyr2901Ser; replaces tyrosine 2901 with serine.
Molecular consequence: missense variant.
Genome position (GRCh38, 1-based): chr1:237,674,207, A>C. VCF-style: chr1-237674207-A-C. GRCh37 (hg19) VCF-style: chr1-237837507-A-C.
Other names: short protein forms Y2901S.
Identifiers: ClinVar variation 3633814 (VCV003633814.2).